The following is an entry in ClinVar:

NM_012154.5(AGO2):c.961_962delinsTT (p.Arg321Phe)

Genes: AGO2 (argonaute RISC catalytic component 2; minus strand), LOC126860544 (MED14-independent group 3 enhancer GRCh37_chr8:141567119-141568318; plus strand). Cytogenetic location: 8q24.3.
Variant type: Indel.
Coding change: c.961_962delinsTT on transcript NM_012154.5 (MANE Select); coding-DNA positions 961 to 962, CG replaced by TT.
Protein change: p.Arg321Phe; replaces arginine 321 with phenylalanine.
Molecular consequence: missense variant.
Genome position (GRCh38, 1-based): chr8:140,557,153-140,557,154, CG replaced by AA on the plus strand (CG replaced by TT on the coding strand, the reverse complement: AGO2 is on the minus strand). VCF-style: chr8-140557153-CG-AA. GRCh37 (hg19) VCF-style: chr8-141567252-CG-AA.
Other names: c.961_962delinsTT, p.Arg321Phe (NM_001164623.3); short protein forms R321F.
Identifiers: ClinVar variation 5008649 (VCV005008649.1).
Genomic context (GRCh38, chr8:140,557,153, plus strand): 5'-AGGGGAAGGTAGGTGTGTTTCTGCTCCTGTCCGACTTGTAAACATGGGAGGTGGGGGTAG[CG>AA]CAGAACCAACTTGTGCCTGTCCTTGAAATACTGGGCCACCGTGCACTCCACCGTCTGCCC-3'
Protein context (NP_036286.2, residues 311-331): YFKDRHKLVL[Arg321Phe]YPHLPCLQVG

ClinVar aggregate classification (germline): Uncertain significance (1 of 4 stars; one submission).

Submission:

GeneDx
Classification: Uncertain significance. Last evaluated: 2026-03-05. Review status: criteria provided, single submitter. Criteria: GeneDx Variant Classification Process June 2021. Collection method: clinical testing. Allele origin: germline.
Comment: Not observed at significant frequency in large population cohorts (gnomAD); In silico analysis supports a deleterious effect on protein structure/function; Has not been previously published as pathogenic or benign to our knowledge; In silico analysis is inconclusive as to whether the variant alters gene splicing. In the absence of RNA/functional studies, the actual effect of this sequence change is unknown.